The following is an entry in ClinVar:

NM_000090.4(COL3A1):c.636+91A>G

Gene: COL3A1 (collagen type III alpha 1 chain; plus strand). Cytogenetic location: 2q32.2.
Variant type: single nucleotide variant.
Coding change: c.636+91A>G on transcript NM_000090.4 (MANE Select); 91 bases into the intron after coding-DNA position 636, A replaced by G.
Molecular consequence: intron variant.
Genome position (GRCh38, 1-based): chr2:188,988,734, A>G. VCF-style: chr2-188988734-A-G. GRCh37 (hg19) VCF-style: chr2-189853460-A-G.
Identifiers: ClinVar variation 676607 (VCV000676607.2), dbSNP rs56094115, ClinGen allele CA62588883.

ClinVar aggregate classification (germline): Likely benign. Review status: criteria provided, multiple submitters, no conflicts (2 of 4 stars). 2 submissions from 2 submitters: Likely benign (2). Last evaluated 2018-06-14.

Allele frequency attached by ClinVar (database versions not stated): gnomAD exomes 0.00109; gnomAD 0.01104 and 0.01155; TOPMed 0.01243; 1000 Genomes Project 0.01398; 1000 Genomes Project 30x 0.01421.
gnomAD v4.1: 2,489 of 857,830 alleles (0.29%); highest among the groups gnomAD compares: African/African-American, 3.8%; 55 homozygotes.

Submissions (2):

GeneDx
Classification: Likely benign. Last evaluated: 2018-06-14. Review status: criteria provided, single submitter. Criteria: GeneDx Variant Classification (06012015). Collection method: clinical testing. Allele origin: germline. Affected: yes.
Comment: This variant is considered likely benign or benign based on one or more of the following criteria: it is a conservative change, it occurs at a poorly conserved position in the protein, it is predicted to be benign by multiple in silico algorithms, and/or has population frequency not consistent with disease.

Breakthrough Genomics
Classification: Likely benign. Review status: criteria provided, single submitter. Criteria: ACMG Guidelines, 2015. Collection method: not provided. Allele origin: germline. Inheritance: Autosomal recessive inheritance. Affected: yes.